The following is an entry in ClinVar:

NM_000093.5(COL5A1):c.4282C>T (p.Gln1428Ter)

Gene: COL5A1 (collagen type V alpha 1 chain; plus strand). Cytogenetic location: 9q34.3.
Variant type: single nucleotide variant.
Coding change: c.4282C>T on transcript NM_000093.5 (MANE Select); coding-DNA position 4282, C replaced by T.
Protein change: p.Gln1428Ter; replaces glutamine 1428 with a stop codon.
Molecular consequence: nonsense.
Genome position (GRCh38, 1-based): chr9:134,818,707, C>T. VCF-style: chr9-134818707-C-T. GRCh37 (hg19) VCF-style: chr9-137710553-C-T.
Other names: p.Q1428*:CAG>TAG; c.4282C>T, p.Gln1428Ter (NM_001278074.1); short protein forms Q1428*.
Identifiers: ClinVar variation 212975 (VCV000212975.3), dbSNP rs863223454, ClinGen allele CA324515.

ClinVar aggregate classification (germline): Pathogenic/Likely pathogenic. Review status: criteria provided, multiple submitters, no conflicts (2 of 4 stars). 2 submissions from 2 submitters: Pathogenic (1); Likely pathogenic (1). Last evaluated 2022-06-27.

Conditions:
COL5A1-related disorders.

Submissions (2):

Blueprint Genetics
Classification: Likely pathogenic for COL5A1-related disorders. Last evaluated: 2022-06-27. Review status: criteria provided, single submitter. Criteria: ACMG Guidelines, 2015. Collection method: clinical testing. Allele origin: germline. Affected: yes. Observed: 1 variant allele.

GeneDx
Classification: Pathogenic. Last evaluated: 2014-07-01. Review status: criteria provided, single submitter. Criteria: GeneDx Variant Classification (06012015). Collection method: clinical testing. Allele origin: germline. Affected: yes.
Comment: p.Gln1428Stop (CAG>TAG): c.4282 C>T in exon 55 of the COL5A1 gene (NM_000093.3)The Q1428X mutation in the COL5A1 gene has not been reported as a disease-causing mutation or as a benign polymorphism to our knowledge. Q1428X is predicted to cause loss of normal protein function either by protein truncation or nonsense-mediated mRNA decay. Other nonsense mutations in the COL5A1 gene have been reported in association with Ehlers-Danlos syndrome. In summary, Q1428X in the COL5A1 gene is interpreted as a disease-causing mutation. This variant was found in TAAD